The following is an entry in ClinVar:

ClinVar aggregate classification (germline): Conflicting classifications of pathogenicity. Review status: criteria provided, conflicting classifications (1 of 4 stars). 2 submissions from 2 submitters: Likely pathogenic (1); Uncertain significance (1). Last evaluated 2025-09-29.

Allele frequency attached by ClinVar (database versions not stated): gnomAD 0.00002; ExAC below 0.00001; gnomAD exomes below 0.00001; TOPMed 0.00002.

Submissions (2):

Women's Health and Genetics/Laboratory Corporation of America, LabCorp
Classification: Uncertain significance. Last evaluated: 2025-09-29. Review status: criteria provided, single submitter. Criteria: LabCorp Variant Classification Summary - May 2015. Collection method: clinical testing. Allele origin: germline.
Comment: Variant summary: CRB2 c.3263G>A (p.Gly1088Asp) results in a non-conservative amino acid change in the encoded protein sequence. Algorithms developed to predict the effect of missense changes on protein structure and function all suggest that this variant is likely to be disruptive. The frequency data for this variant in gnomAD is considered unreliable, as metrics indicate poor data quality at this position. To our knowledge, no occurrence of c.3263G>A in individuals affected with CRB2-related conditions has been reported. One publication reports experimental evidence evaluating an impact on protein localization, however, does not allow convincing conclusions about the variant effect (Moller-Kerutt_2023). The following publication has been ascertained in the context of this evaluation (PMID: 36549870). ClinVar contains an entry for this variant (Variation ID: 430364). Based on the evidence outlined above, the variant was classified as uncertain significance.

GeneDx
Classification: Likely pathogenic. Last evaluated: 2015-08-10. Review status: criteria provided, single submitter. Criteria: GeneDx Variant Classification (06012015). Collection method: clinical testing. Allele origin: germline. Affected: yes.
Comment: The G1088D variant in the CRB2 gene has not been published as a pathogenic variant, nor has it been reported as a benign polymorphism to our knowledge. The G1088D variant is a non-conservative amino acid substitution, which occurs at a position that is conserved across species. In silico analysis predicts this variant is probably damaging to the protein structure/function. No data from control populations were available to assess the frequency of this variant. The G1088D variant is a strong candidate for a disease-causing variant, however the possibility it may be a rare benign variant cannot be excluded.

Literature cited by the submitters: PubMed 36549870 (cited by Women's Health and Genetics/Laboratory Corporation of America, LabCorp).

NM_173689.7(CRB2):c.3263G>A (p.Gly1088Asp)

Gene: CRB2 (crumbs cell polarity complex component 2; plus strand). Cytogenetic location: 9q33.3.
Variant type: single nucleotide variant.
Coding change: c.3263G>A on transcript NM_173689.7 (MANE Select); coding-DNA position 3263, G replaced by A.
Protein change: p.Gly1088Asp; replaces glycine 1088 with aspartic acid.
Molecular consequence: missense variant. On other transcripts: non-coding transcript variant (1).
Genome position (GRCh38, 1-based): chr9:123,373,794, G>A. VCF-style: chr9-123373794-G-A. GRCh37 (hg19) VCF-style: chr9-126136073-G-A.
Other names: short protein forms G1088D.
Identifiers: ClinVar variation 430364 (VCV000430364.3), dbSNP rs766470795, ClinGen allele CA5232402.